The following is an entry in ClinVar:

NM_001384140.1(PCDH15):c.2595del (p.Phe865fs)

Gene: PCDH15 (protocadherin related 15; minus strand). Cytogenetic location: 10q21.1.
Variant type: Deletion.
Coding change: c.2595del on transcript NM_001384140.1 (MANE Select); coding-DNA position 2595, one base deleted (T; older notation c.2595delT).
Protein change: p.Phe865fs; shifts the reading frame from phenylalanine 865.
Molecular consequence: frameshift variant.
Genome position (GRCh38, 1-based): chr10:54,020,348, A deleted on the plus strand (T on the coding strand, the reverse complement: PCDH15 is on the minus strand); the first of 6 consecutive A bases (chr10:54,020,348-54,020,353); deleting any one gives the same sequence. VCF-style (leftmost placement, unchanged base first): chr10-54020347-CA-C. GRCh37 (hg19) VCF-style: chr10-55780107-CA-C.
Other names: c.2610del, p.Phe870fs (NM_001142763.2, NM_001142771.2); c.2595del, p.Phe865fs (NM_001142764.2, NM_001142766.2, NM_001142770.3 and 5 more transcripts); c.2382del, p.Phe794fs (NM_001142765.2); c.2484del, p.Phe828fs (NM_001142767.2); c.2529del, p.Phe843fs (NM_001142768.2, NM_001142773.2, NM_001354404.2); c.2626delT, p.Phe877Leufs (NM_001142769.4); c.2616del, p.Phe872fs (NM_001354411.2); short protein forms F794fs, F828fs, F843fs, F865fs, F870fs, F872fs, F877fs.
Identifiers: ClinVar variation 4816365 (VCV004816365.1).

ClinVar aggregate classification (germline): Likely pathogenic (1 of 4 stars; one submission).

Conditions:
Usher syndrome type 1F (USH1F). Also called: USHER SYNDROME, TYPE IF. Identifiers: Orphanet 231169, Orphanet 886, MedGen C1865885, MONDO:0011186, OMIM 602083.

Submission:

Natera, Inc.
Classification: Likely pathogenic for Usher syndrome type 1F. Last evaluated: 2025-06-09. Review status: criteria provided, single submitter. Criteria: Natera Variant Classification Schema (03/2026). Collection method: clinical testing. Allele origin: germline.
Comment: The c.2595delT variant in PCDH15 is a frameshift variant predicted to shift the reading frame beginning at codon 865 and leads to a stop codon 13 codons downstream. This variant is expected to result in nonsense mediated decay, truncation, or a dysfunctional protein product. This variant is rare in the general population with a frequency below the threshold expected for the associated phenotype(s). Given the available evidence, this variant is classified as Likely Pathogenic.